The following is an entry in ClinVar:

ClinVar aggregate classification (germline): Likely benign (1 of 4 stars; one submission).

gnomAD v4.1: 188 of 1,606,352 alleles (0.012%); highest among the groups gnomAD compares: Admixed American, 0.2%; no homozygotes.

Submission:

CeGaT Center for Human Genetics Tuebingen
Classification: Likely benign. Last evaluated: 2025-09-01. Review status: criteria provided, single submitter. Criteria: CeGaT Center For Human Genetics Tuebingen Variant Classification Criteria Version 2. Collection method: clinical testing. Allele origin: germline. Affected: yes. Observed: 1 variant allele.
Comment: MAPK8IP3: BP4, BP7

NM_001318852.2(MAPK8IP3):c.2418G>A (p.Ala806=)

Gene: MAPK8IP3 (mitogen-activated protein kinase 8 interacting protein 3; plus strand). Cytogenetic location: 16p13.3.
Variant type: single nucleotide variant.
Coding change: c.2418G>A on transcript NM_001318852.2 (MANE Select); coding-DNA position 2418, G replaced by A.
Protein change: p.Ala806=; no amino-acid change (alanine 806 retained).
Molecular consequence: synonymous variant.
Genome position (GRCh38, 1-based): chr16:1,765,150, G>A. VCF-style: chr16-1765150-G-A. GRCh37 (hg19) VCF-style: chr16-1815151-G-A.
Other names: c.2397G>A, p.Ala799= (NM_001040439.2); c.2415G>A, p.Ala805= (NM_015133.5).
Identifiers: ClinVar variation 4281166 (VCV004281166.7).